The following is an entry in ClinVar:

NM_017613.4(DONSON):c.1032C>T (p.Ser344=)

Gene: DONSON (DNA replication fork stabilization factor DONSON; minus strand). Cytogenetic location: 21q22.11.
Variant type: single nucleotide variant.
Coding change: c.1032C>T on transcript NM_017613.4 (MANE Select); coding-DNA position 1032, C replaced by T.
Protein change: p.Ser344=; no amino-acid change (serine 344 retained).
Molecular consequence: synonymous variant.
Genome position (GRCh38, 1-based): chr21:33,582,179, G>A on the plus strand (C>T on the coding strand, the complement: DONSON is on the minus strand). VCF-style: chr21-33582179-G-A. GRCh37 (hg19) VCF-style: chr21-34954485-G-A.
Identifiers: ClinVar variation 1334638 (VCV001334638.4), dbSNP rs368570176, ClinGen allele CA10010437.

ClinVar aggregate classification (germline): Uncertain significance (1 of 4 stars; one submission).

Allele frequency attached by ClinVar (database versions not stated): gnomAD 0.00001; gnomAD exomes 0.00002; ESP Exome Variant Server 0.00008.
gnomAD v4.1: 32 of 1,613,850 alleles (0.002%); highest among the groups gnomAD compares: Non-Finnish European, 0.0026%; no homozygotes.

Submission:

Greenwood Genetic Center Diagnostic Laboratories, Greenwood Genetic Center
Classification: Uncertain significance. Last evaluated: 2021-11-04. Review status: criteria provided, single submitter. Criteria: ACMG Guidelines, 2015. Collection method: clinical testing. Allele origin: germline. Affected: yes.
Comment: PM2